The following is an entry in ClinVar:

NM_015443.4(KANSL1):c.1328dup (p.Ala444fs)

Gene: KANSL1 (KAT8 regulatory NSL complex subunit 1). Cytogenetic location: 17q21.31.
Variant type: Duplication.
Coding change: c.1328dup on transcript NM_015443.4 (MANE Select); coding-DNA position 1328, one base duplicated.
Protein change: p.Ala444fs; shifts the reading frame from alanine 444.
Molecular consequence: frameshift variant.
Genome position: GRCh38 VCF-style: chr17-46094662-T-TG. GRCh37 (hg19) VCF-style: chr17-44172028-T-TG.
Other names: c.1328dup, p.Ala444fs (NM_001193465.2, NM_001193466.2, NM_001379198.1); short protein forms A444fs.
Identifiers: ClinVar variation 1334513 (VCV001334513.4), dbSNP rs2146947627, ClinGen allele CA2573054464.

ClinVar aggregate classification (germline): Pathogenic (1 of 4 stars; one submission).

Conditions:
Koolen-de Vries syndrome (KDVS). Identifiers: Orphanet 96169, MedGen C1864871, MONDO:0012496, OMIM 610443.

Submission:

Greenwood Genetic Center Diagnostic Laboratories, Greenwood Genetic Center
Classification: Pathogenic for Koolen-de Vries syndrome. Last evaluated: 2021-08-02. Review status: criteria provided, single submitter. Criteria: ACMG Guidelines, 2015. Collection method: clinical testing. Allele origin: germline. Affected: yes.
Comment: PVS1, PS2, PM2